The following is an entry in ClinVar:

NM_000283.4(PDE6B):c.2075A>G (p.Lys692Arg)

Gene: PDE6B (phosphodiesterase 6B; plus strand). Cytogenetic location: 4p16.3.
Variant type: single nucleotide variant.
Coding change: c.2075A>G on transcript NM_000283.4 (MANE Select); coding-DNA position 2075, A replaced by G.
Protein change: p.Lys692Arg; replaces lysine 692 with arginine.
Molecular consequence: missense variant.
Genome position (GRCh38, 1-based): chr4:664,167, A>G. VCF-style: chr4-664167-A-G. GRCh37 (hg19) VCF-style: chr4-657956-A-G.
Other names: c.2075A>G (NM_000283.3); c.2075A>G, p.Lys692Arg (NM_001145291.2); c.1238A>G, p.Lys413Arg (NM_001145292.2, NM_001350154.3, NM_001379246.1 and 1 more transcripts); c.920A>G, p.Lys307Arg (NM_001350155.3); short protein forms K307R, K413R, K692R.
Identifiers: ClinVar variation 1411998 (VCV001411998.7), dbSNP rs1305642045, ClinGen allele CA355918964.

ClinVar aggregate classification (germline): Conflicting classifications of pathogenicity. Review status: criteria provided, conflicting classifications (1 of 4 stars). 2 submissions from 2 submitters: Uncertain significance (1); Likely benign (1). Last evaluated 2025-03-05.

Conditions:
Inborn genetic diseases. Identifiers: MedGen C0950123, MeSH D030342.

Allele frequency attached by ClinVar (database versions not stated): gnomAD exomes below 0.00001 and 0.00001; gnomAD 0.00002; TOPMed 0.00002.
gnomAD v4.1: 11 of 1,612,714 alleles (0.00068%); highest among the groups gnomAD compares: African/African-American, 0.0013%; no homozygotes.

Submissions (2):

Labcorp Genetics (formerly Invitae), Labcorp
Classification: Uncertain significance. Last evaluated: 2025-03-05. Review status: criteria provided, single submitter. Criteria: Invitae Variant Classification Sherloc (09022015). Collection method: clinical testing. Allele origin: germline.
Comment: This sequence change replaces lysine, which is basic and polar, with arginine, which is basic and polar, at codon 692 of the PDE6B protein (p.Lys692Arg). This variant is present in population databases (no rsID available, gnomAD 0.0009%). This variant has not been reported in the literature in individuals affected with PDE6B-related conditions. ClinVar contains an entry for this variant (Variation ID: 1411998). An algorithm developed to predict the effect of missense changes on protein structure and function outputs the following: PolyPhen-2: "Benign". The arginine amino acid residue is found in multiple mammalian species, which suggests that this missense change does not adversely affect protein function. In summary, the available evidence is currently insufficient to determine the role of this variant in disease. Therefore, it has been classified as a Variant of Uncertain Significance.

Ambry Genetics
Classification: Likely benign for Inborn genetic diseases. Last evaluated: 2024-12-25. Review status: criteria provided, single submitter. Criteria: Ambry Variant Classification Scheme 2023. Collection method: clinical testing. Allele origin: germline.